The following is an entry in ClinVar:

ClinVar aggregate classification (germline): Uncertain significance (1 of 4 stars; one submission).

gnomAD v4.1: 3 of 1,614,186 alleles (0.00019%); highest among the groups gnomAD compares: Non-Finnish European, 0.00025%; no homozygotes.

Submission:

Labcorp Genetics (formerly Invitae), Labcorp
Classification: Uncertain significance. Last evaluated: 2024-05-31. Review status: criteria provided, single submitter. Criteria: Invitae Variant Classification Sherloc (09022015). Collection method: clinical testing. Allele origin: germline.
Comment: This sequence change replaces glutamine, which is neutral and polar, with histidine, which is basic and polar, at codon 161 of the A2ML1 protein (p.Gln161His). This variant also falls at the last nucleotide of exon 5, which is part of the consensus splice site for this exon. This variant is not present in population databases (gnomAD no frequency). This variant has not been reported in the literature in individuals affected with A2ML1-related conditions. An algorithm developed to predict the effect of missense changes on protein structure and function (PolyPhen-2) suggests that this variant is likely to be disruptive. Variants that disrupt the consensus splice site are a relatively common cause of aberrant splicing (PMID: 17576681, 9536098). Algorithms developed to predict the effect of sequence changes on RNA splicing suggest that this variant may disrupt the consensus splice site. In summary, the available evidence is currently insufficient to determine the role of this variant in disease. Therefore, it has been classified as a Variant of Uncertain Significance.

Literature cited by the submitters: PubMed 17576681; PubMed 9536098.

NM_144670.6(A2ML1):c.483G>T (p.Gln161His)

Gene: A2ML1 (alpha-2-macroglobulin like 1; plus strand). Cytogenetic location: 12p13.31.
Variant type: single nucleotide variant.
Coding change: c.483G>T on transcript NM_144670.6 (MANE Select); coding-DNA position 483, G replaced by T.
Protein change: p.Gln161His; replaces glutamine 161 with histidine.
Molecular consequence: missense variant.
Genome position (GRCh38, 1-based): chr12:8,834,682, G>T. VCF-style: chr12-8834682-G-T. GRCh37 (hg19) VCF-style: chr12-8987278-G-T.
Other names: short protein forms Q161H.
Identifiers: ClinVar variation 3703367 (VCV003703367.2).